The following is an entry in ClinVar:

ClinVar aggregate classification (germline): Pathogenic. Review status: reviewed by expert panel (3 of 4 stars). 9 submissions from 9 submitters: Pathogenic (1). 8 of the submissions do not count toward it. Last evaluated 2016-09-08.

Conditions:
Hereditary cancer-predisposing syndrome. Also called: Tumor predisposition; Neoplastic Syndromes, Hereditary; Hereditary neoplastic syndrome; Hereditary Cancer Syndrome. Identifiers: Orphanet 140162, MedGen C0027672, MeSH D009386, MONDO:0015356.
Hereditary breast ovarian cancer syndrome. Also called: Hereditary breast and ovarian cancer; Hereditary breast and ovarian cancer syndrome (HBOC); Hereditary breast and/or ovarian cancer syndrome; Breast and ovarian cancer; Hereditary breast and ovarian cancer syndrome; BRCA1- and BRCA2-Associated Hereditary Breast and Ovarian Cancer. Identifiers: Orphanet 145, MedGen C0677776, MeSH D061325, MONDO:0003582. Disease mechanism: loss of function.
Breast-ovarian cancer, familial, susceptibility to, 2 (BROVCA2). Also called: BRCA2 Hereditary Breast and Ovarian Cancer. Identifiers: Orphanet 145, MedGen C2675520, MONDO:0012933, OMIM 612555. Disease mechanism: loss of function.

Submissions (9):

Evidence-based Network for the Interpretation of Germline Mutant Alleles (ENIGMA)
Classification: Pathogenic for Breast-ovarian cancer, familial, susceptibility to, 2. Last evaluated: 2016-09-08. Review status: reviewed by expert panel. Criteria: ENIGMA BRCA1/2 Classification Criteria (2015). Collection method: curation. Allele origin: germline.
Comment: Variant allele predicted to encode a truncated non-functional protein.

Labcorp Genetics (formerly Invitae), Labcorp
Classification: Pathogenic for Hereditary breast ovarian cancer syndrome. Last evaluated: 2024-09-10. Review status: criteria provided, single submitter. Criteria: Invitae Variant Classification Sherloc (09022015). Collection method: clinical testing. Allele origin: germline. Not counted in ClinVar's aggregate classification.
Comment: This sequence change creates a premature translational stop signal (p.Asp252Glufs*2) in the BRCA2 gene. It is expected to result in an absent or disrupted protein product. Loss-of-function variants in BRCA2 are known to be pathogenic (PMID: 20104584). This variant is not present in population databases (gnomAD no frequency). This premature translational stop signal has been observed in individual(s) with early-onset breast cancer (PMID: 19491284). This variant is also known as 984delCA. ClinVar contains an entry for this variant (Variation ID: 38106). For these reasons, this variant has been classified as Pathogenic.

Ambry Genetics
Classification: Pathogenic for Hereditary cancer-predisposing syndrome. Last evaluated: 2024-05-21. Review status: criteria provided, single submitter. Criteria: Ambry Variant Classification Scheme 2023. Collection method: clinical testing. Allele origin: germline. Not counted in ClinVar's aggregate classification.
Comment: The c.756_757delCA pathogenic mutation, located in coding exon 8 of the BRCA2 gene, results from a deletion of two nucleotides at nucleotide positions 756 to 757, causing a translational frameshift with a predicted alternate stop codon (p.D252Efs*2). This alteration was previously identified in a cohort of early-onset breast cancer patients (Haffty BG, Ann. Oncol. 2009 Oct; 20(10):1653-9). This variant is considered to be rare based on population cohorts in the Genome Aggregation Database (gnomAD). In addition to the clinical data presented in the literature, this alteration is expected to result in loss of function by premature protein truncation or nonsense-mediated mRNA decay. As such, this alteration is interpreted as a disease-causing mutation.

Quest Diagnostics Nichols Institute San Juan Capistrano
Classification: Pathogenic. Last evaluated: 2021-06-04. Review status: criteria provided, single submitter. Criteria: Quest Diagnostics criteria. Collection method: clinical testing. Allele origin: unknown. Not counted in ClinVar's aggregate classification.
Comment: This frameshift variant causes the premature termination of BRCA2 protein synthesis. In addition, it has been reported in individuals with breast cancer as well as in an individual with Fanconi Anemia (FA) in the published literature (PMID: 19491284 (20090, 25583207 (2015)). Based on the available information, this variant is classified as pathogenic.

Color Diagnostics, LLC DBA Color Health
Classification: Pathogenic for Hereditary cancer-predisposing syndrome. Last evaluated: 2021-04-23. Review status: criteria provided, single submitter. Criteria: ACMG Guidelines, 2015. Collection method: clinical testing. Allele origin: germline. Not counted in ClinVar's aggregate classification.
Comment: This variant deletes 2 nucleotides in exon 9 of the BRCA2 gene, creating a frameshift and premature translation stop signal. This variant is expected to result in an absent or non-functional protein product. This variant has been reported in an individual affected with early-onset breast cancer (PMID: 19491284) and in a biallelic individual affected with Fanconi anemia (PMID: 25583207). This variant has not been identified in the general population by the Genome Aggregation Database (gnomAD). Loss of BRCA2 function is a known mechanism of disease. Based on the available evidence, this variant is classified as Pathogenic.

Consortium of Investigators of Modifiers of BRCA1/2 (CIMBA), c/o University of Cambridge
Classification: Pathogenic for Breast-ovarian cancer, familial, susceptibility to, 2. Last evaluated: 2015-10-02. Review status: criteria provided, single submitter. Criteria: CIMBA Mutation Classification guidelines May 2016. Collection method: clinical testing. Allele origin: germline. Not counted in ClinVar's aggregate classification.

Research Molecular Genetics Laboratory, Women's College Hospital, University of Toronto
Classification: Pathogenic for Hereditary breast ovarian cancer syndrome. Last evaluated: 2014-01-31. Review status: no assertion criteria provided. Collection method: research. Allele origin: germline. Affected: yes. Study: The Canadian Open Genetics Repository (COGR). Not counted in ClinVar's aggregate classification.

Sharing Clinical Reports Project (SCRP)
Classification: Pathogenic for Breast-ovarian cancer, familial 2. Last evaluated: 2011-08-26. Review status: no assertion criteria provided. Collection method: clinical testing. Allele origin: germline. Not counted in ClinVar's aggregate classification.

Breast Cancer Information Core (BIC) (BRCA2)
Classification: Pathogenic for Breast-ovarian cancer, familial 2. Last evaluated: 2004-02-20. Review status: no assertion criteria provided. Collection method: clinical testing. Allele origin: germline. Affected: yes. Observed: 3 variant alleles. Not counted in ClinVar's aggregate classification.

Literature cited by the submitters: PubMed 20104584 (cited by Labcorp Genetics (formerly Invitae), Labcorp); PubMed 19491284 (cited by 3 submitters); PubMed 25583207 (cited by Quest Diagnostics Nichols Institute San Juan Capistrano); PubMed 26295337 (cited by Quest Diagnostics Nichols Institute San Juan Capistrano).

NM_000059.4(BRCA2):c.756_757del (p.Asp252fs)

Gene: BRCA2 (BRCA2 DNA repair associated; plus strand). Cytogenetic location: 13q13.1.
Variant type: Deletion.
Coding change: c.756_757del on transcript NM_000059.4 (MANE Select); coding-DNA positions 756 to 757, 2 bases deleted (CA; older notation c.756_757delCA).
Protein change: p.Asp252fs; shifts the reading frame from aspartic acid 252.
Molecular consequence: frameshift variant.
Genome position (GRCh38, 1-based): chr13:32,330,993-32,330,994, CA deleted; deleting any 2 consecutive bases within chr13:32,330,992-32,330,994 gives the same sequence; the c. name uses the placement nearest the transcript's 3' end. VCF-style (leftmost placement, unchanged base first): chr13-32330991-GAC-G. GRCh37 (hg19) VCF-style: chr13-32905128-GAC-G.
Other names: 984delCA; c.756_757delCA (NM_000059.3).
Identifiers: ClinVar variation 38106 (VCV000038106.23), dbSNP rs80359662, ClinGen allele CA025155.